The following is an entry in ClinVar:

ClinVar aggregate classification (germline): Uncertain significance (1 of 4 stars; one submission).

Submission:

ISCA site 15
Classification: Uncertain significance. Last evaluated: 2011-08-12. Review status: criteria provided, single submitter. Criteria: Kaminsky et al. (Genet Med. 2011). Collection method: clinical testing. Allele origin: paternal. Affected: yes. Observed: 1 variant allele.
Comment: Copy number variation identified through the course of routine clinical cytogenomic testing in postnatal populations. Clinical assertions have been curated as described in Kaminsky et al. 2011.

GRCh38/hg38 16p12.2(chr16:21794978-22396610)x1

Genes: CDR2 (cerebellar degeneration related protein 2), CDR2-DT (CDR2 divergent transcript), EEF2K (eukaryotic elongation factor 2 kinase), MOSMO (modulator of smoothened), NPIPB4 (nuclear pore complex interacting protein family member B4) and 33 more. Cytogenetic location: 16p12.2.
Variant type: copy number loss.
Change: copy number 1 (one copy instead of two) of chr16:21,794,978-22,396,610 (601.6 kb, GRCh38 coordinates, 1-based), cytogenetic band 16p12.2.
Identifiers: ClinVar variation 57550 (VCV000057550.1).